The following is an entry in ClinVar:

ClinVar aggregate classification (germline): Benign. Review status: criteria provided, multiple submitters, no conflicts (2 of 4 stars). 15 submissions from 13 submitters: Benign (12). 3 of the submissions do not count toward it. Last evaluated 2026-08-01.

Conditions:
Ehlers-Danlos syndrome, cardiac valvular type. Identifiers: Orphanet 230851, MedGen C4303789, MONDO:0009159, OMIM 225320.
Ehlers-Danlos syndrome, arthrochalasia type. Also called: ARTHROCHALASIS MULTIPLEX CONGENITA; Ehlers-Danlos syndrome, arthrochalasia type, 1; EDS VII, MUTANT PROCOLLAGEN TYPE; EDS VIIA; Ehlers-Danlos syndrome, arthrochalasis type. Identifiers: Orphanet 1899, Orphanet 99875, Orphanet 99876, MedGen C4551623, MONDO:0007525, OMIM 130060.
Osteogenesis imperfecta, perinatal lethal (OI2). Also called: OSTEOGENESIS IMPERFECTA, TYPE II; OI, TYPE II; OSTEOGENESIS IMPERFECTA CONGENITA; VROLIK TYPE OF OSTEOGENESIS IMPERFECTA; Osteogenesis imperfecta, dominant perinatal lethal; Osteogenesis imperfecta type 2. Identifiers: Orphanet 216804, MedGen C0268358, MONDO:0008147, OMIM 166210.
Ehlers-Danlos syndrome, classic type, 1 (EDSCL1). Also called: EDS I; EHLERS-DANLOS SYNDROME, GRAVIS TYPE; EHLERS-DANLOS SYNDROME, SEVERE CLASSIC TYPE; Ehlers-Danlos syndrome, type 1; Ehlers-Danlos Syndrome, Classic Type, COL5A1-Related. Identifiers: MedGen C0268335, MONDO:0019567, OMIM 130000.
Osteogenesis imperfecta type I (OI1). Also called: OI, TYPE I; OSTEOGENESIS IMPERFECTA TARDA; OSTEOGENESIS IMPERFECTA WITH BLUE SCLERAE; Lobstein's Disease; Lobstein disease; Classic Non-deforming Osteogenesis Imperfecta with Blue Sclerae. Identifiers: Orphanet 216796, Orphanet 666, MedGen C0023931, MONDO:0008146, OMIM 166200. Disease mechanism: loss of function.
Ehlers-Danlos syndrome, arthrochalasia type, 2. Also called: EHLERS-DANLOS SYNDROME, TYPE VIIB, AUTOSOMAL DOMINANT. Identifiers: MedGen CN293783, MONDO:0040501, OMIM 617821.
Cardiovascular phenotype. Identifiers: MedGen CN230736.
Ehlers-Danlos syndrome (EDS). Identifiers: Orphanet 98249, MedGen C0013720, MONDO:0020066.
Osteogenesis imperfecta (OI). Identifiers: Orphanet 666, MedGen C0029434, MeSH D010013, MONDO:0019019.

Allele frequency attached by ClinVar (database versions not stated): 1000 Genomes Project 0.00180; 1000 Genomes Project 30x 0.00203; gnomAD 0.00220 and 0.00240; ESP Exome Variant Server 0.00231; TOPMed 0.00243.
gnomAD v4.1: 4,702 of 1,613,754 alleles (0.29%); highest among the groups gnomAD compares: Middle Eastern, 1.4%; 20 homozygotes.

Submissions (15):

CeGaT Center for Human Genetics Tuebingen
Classification: Benign. Last evaluated: 2026-08-01. Review status: criteria provided, single submitter. Criteria: CeGaT Center For Human Genetics Tuebingen Variant Classification Criteria Version 2. Collection method: clinical testing. Allele origin: germline. Affected: yes. Observed: 11 variant alleles.
Comment: COL1A2: BP4, BS1, BS2

Women's Health and Genetics/Laboratory Corporation of America, LabCorp
Classification: Benign. Last evaluated: 2026-02-06. Review status: criteria provided, single submitter. Criteria: LabCorp Variant Classification Summary - May 2015. Collection method: clinical testing. Allele origin: germline.
Comment: Variant summary: COL1A2 c.594+5A>T alters a non-conserved nucleotide located close to a canonical splice site and therefore could affect mRNA splicing, leading to a significantly altered protein sequence. Consensus agreement among computation tools predict no significant impact on normal splicing. However, these predictions have yet to be confirmed by functional studies. The variant allele was found at a frequency of 0.0037 in 251354 control chromosomes in the gnomAD database, including 5 homozygotes. The observed variant frequency exceeds the estimated maximal expected allele frequency for disease-causing variants in COL1A2. c.594+5A>T has been observed in 1 individual(s) affected with osteogenesis imperfecta who had an alternate cause for disease (example, Mrosk_2018). These report(s) do not provide unequivocal conclusions about association of the variant with COL1A2-related conditions. To our knowledge, no experimental evidence demonstrating an impact on protein function has been reported. The following publication has been ascertained in the context of this evaluation (PMID: 29499418). ClinVar contains an entry for this variant (Variation ID: 281902). Based on the evidence outlined above, the variant was classified as benign.

Labcorp Genetics (formerly Invitae), Labcorp
Classification: Benign for Osteogenesis imperfecta type I; Ehlers-Danlos syndrome, classic type, 1. Last evaluated: 2026-01-27. Review status: criteria provided, single submitter. Criteria: Invitae Variant Classification Sherloc (09022015). Collection method: clinical testing. Allele origin: germline.

ARUP Laboratories, Molecular Genetics and Genomics, ARUP Laboratories
Classification: Benign. Last evaluated: 2024-12-09. Review status: criteria provided, single submitter. Criteria: ARUP Molecular Germline Variant Investigation Process 2024. Collection method: clinical testing. Allele origin: germline.

Mayo Clinic Laboratories, Mayo Clinic
Classification: Benign. Last evaluated: 2024-09-25. Review status: criteria provided, single submitter. Criteria: ACMG Guidelines, 2015. Collection method: clinical testing. Allele origin: germline. Observed: 24 variant alleles.
Comment: BS1, BS2, BP4

Genome Diagnostics Laboratory, The Hospital for Sick Children
Classification: Benign for Osteogenesis imperfecta. Last evaluated: 2022-06-06. Review status: criteria provided, single submitter. Criteria: ACMG Guidelines, 2015. Collection method: clinical testing. Allele origin: germline.

Genome Diagnostics Laboratory, The Hospital for Sick Children
Classification: Benign for Ehlers-Danlos syndrome. Last evaluated: 2022-01-17. Review status: criteria provided, single submitter. Criteria: ACMG Guidelines, 2015. Collection method: clinical testing. Allele origin: germline.

Ambry Genetics
Classification: Benign for Cardiovascular phenotype. Last evaluated: 2019-03-12. Review status: criteria provided, single submitter. Criteria: Ambry Variant Classification Scheme 2023. Collection method: clinical testing. Allele origin: germline.

Illumina Laboratory Services, Illumina
Classification: Benign for Osteogenesis imperfecta. Last evaluated: 2018-01-13. Review status: criteria provided, single submitter. Criteria: ICSL Variant Classification Criteria 13 December 2019. Collection method: clinical testing. Allele origin: germline.
Comment: This variant was observed in the ICSL laboratory as part of a predisposition screen in an ostensibly healthy population. It had not been previously curated by ICSL or reported in the Human Gene Mutation Database (HGMD: prior to June 1st, 2018), and was therefore a candidate for classification through an automated scoring system. Utilizing variant allele frequency, disease prevalence and penetrance estimates, and inheritance mode, an automated score was calculated to assess if this variant is too frequent to cause the disease. Based on the score and internal cut-off values, a variant classified as benign is not then subjected to further curation. The score for this variant resulted in a classification of benign for this disease.

Illumina Laboratory Services, Illumina
Classification: Benign for Ehlers-Danlos syndrome, arthrochalasia type, 2. Last evaluated: 2018-01-13. Review status: criteria provided, single submitter. Criteria: ICSL Variant Classification Criteria 13 December 2019. Collection method: clinical testing. Allele origin: germline.
Comment: the same text as in the submission from Illumina Laboratory Services, Illumina above.

GeneDx
Classification: Benign. Last evaluated: 2017-05-18. Review status: criteria provided, single submitter. Criteria: GeneDx Variant Classification (06012015). Collection method: clinical testing. Allele origin: germline. Affected: yes.
Comment: This variant is considered likely benign or benign based on one or more of the following criteria: it is a conservative change, it occurs at a poorly conserved position in the protein, it is predicted to be benign by multiple in silico algorithms, and/or has population frequency not consistent with disease.

Eurofins Ntd Llc (ga)
Classification: Benign. Last evaluated: 2015-07-16. Review status: criteria provided, single submitter. Criteria: EGL Classification Definitions 2015. Collection method: clinical testing. Allele origin: germline. Observed: 1 variant allele, 1 heterozygote.

Clinical Genetics DNA and cytogenetics Diagnostics Lab, Erasmus MC, Erasmus Medical Center
Classification: Benign. Review status: no assertion criteria provided. Collection method: clinical testing. Allele origin: germline. Affected: yes. Study: VKGL Data-share Consensus. Not counted in ClinVar's aggregate classification.

Genome Diagnostics Laboratory, Amsterdam University Medical Center
Classification: Benign. Review status: no assertion criteria provided. Collection method: clinical testing. Allele origin: germline. Affected: yes. Study: VKGL Data-share Consensus. Not counted in ClinVar's aggregate classification.

Laboratory of Diagnostic Genome Analysis, Leiden University Medical Center (LUMC)
Classification: Likely benign. Review status: no assertion criteria provided. Collection method: clinical testing. Allele origin: germline. Affected: yes. Study: VKGL Data-share Consensus. Not counted in ClinVar's aggregate classification.

Literature cited by the submitters: PubMed 29499418 (cited by Women's Health and Genetics/Laboratory Corporation of America, LabCorp).

NM_000089.4(COL1A2):c.594+5A>T

Gene: COL1A2 (collagen type I alpha 2 chain; plus strand). Cytogenetic location: 7q21.3.
Variant type: single nucleotide variant.
Coding change: c.594+5A>T on transcript NM_000089.4 (MANE Select); 5 bases into the intron after coding-DNA position 594, A replaced by T.
Molecular consequence: intron variant.
Genome position (GRCh38, 1-based): chr7:94,406,308, A>T. VCF-style: chr7-94406308-A-T. GRCh37 (hg19) VCF-style: chr7-94035620-A-T.
Identifiers: ClinVar variation 281902 (VCV000281902.78), dbSNP rs200744314, ClinGen allele CA4346721.